The following is an entry in ClinVar:

ClinVar aggregate classification (germline): Uncertain significance. Review status: criteria provided, multiple submitters, no conflicts (2 of 4 stars). 2 submissions from 2 submitters: Uncertain significance (2). Last evaluated 2025-03-01.

Allele frequency attached by ClinVar (database versions not stated): gnomAD exomes 0.00001; ExAC 0.00002; TOPMed 0.00002; gnomAD 0.00003; ESP Exome Variant Server 0.00008.
gnomAD v4.1: 18 of 1,613,628 alleles (0.0011%); highest among the groups gnomAD compares: African/African-American, 0.011%; no homozygotes.

Submissions (2):

CeGaT Center for Human Genetics Tuebingen
Classification: Uncertain significance. Last evaluated: 2025-03-01. Review status: criteria provided, single submitter. Criteria: CeGaT Center For Human Genetics Tuebingen Variant Classification Criteria Version 2. Collection method: clinical testing. Allele origin: germline. Affected: yes. Observed: 1 variant allele.
Comment: TTN: PM2

Revvity Omics, Revvity
Classification: Uncertain significance. Last evaluated: 2024-06-27. Review status: criteria provided, single submitter. Criteria: ACMG Guidelines, 2015. Collection method: clinical testing. Allele origin: germline.

NM_001267550.2(TTN):c.82498G>A (p.Glu27500Lys)

Genes: TTN (titin; minus strand), TTN-AS1 (TTN antisense RNA 1; plus strand). Cytogenetic location: 2q31.2.
Variant type: single nucleotide variant.
Coding change: c.82498G>A on transcript NM_001267550.2 (MANE Select); coding-DNA position 82498, G replaced by A.
Protein change: p.Glu27500Lys; replaces glutamic acid 27500 with lysine.
Molecular consequence: missense variant.
Genome position (GRCh38, 1-based): chr2:178,563,634, C>T on the plus strand (G>A on the coding strand, the complement: TTN is on the minus strand). VCF-style: chr2-178563634-C-T. GRCh37 (hg19) VCF-style: chr2-179428361-C-T.
Other names: c.77575G>A, p.Glu25859Lys (NM_001256850.1); c.55303G>A, p.Glu18435Lys (NM_003319.4); c.74794G>A, p.Glu24932Lys (NM_133378.4); c.55678G>A, p.Glu18560Lys (NM_133432.3); c.55879G>A, p.Glu18627Lys (NM_133437.4); short protein forms E18435K, E18560K, E18627K, E24932K, E25859K, E27500K.
Identifiers: ClinVar variation 2437567 (VCV002437567.10), dbSNP rs375422359, ClinGen allele CA1989060.